The following is an entry in ClinVar:

ClinVar aggregate classification (germline): Uncertain significance. Review status: criteria provided, multiple submitters, no conflicts (2 of 4 stars). 2 submissions from 2 submitters: Uncertain significance (2). Last evaluated 2025-02-13.

Conditions:
Sclerosteosis 2 (SOST2). Identifiers: Orphanet 3152, MedGen C3280402, MONDO:0013679, OMIM 614305.
Cenani-Lenz syndactyly syndrome. Also called: CENANI SYNDACTYLISM; SYNDACTYLY, TYPE VII. Identifiers: Orphanet 3258, MedGen C1859309, MONDO:0008931, OMIM 212780.
Congenital myasthenic syndrome 17. Identifiers: Orphanet 590, MedGen C4225377, MONDO:0014578, OMIM 616304.

gnomAD v4.1: 2 of 1,614,114 alleles (0.00012%); highest among the groups gnomAD compares: Admixed American, 0.0017%; no homozygotes.

Submissions (2):

GeneDx
Classification: Uncertain significance. Last evaluated: 2025-02-13. Review status: criteria provided, single submitter. Criteria: GeneDx Variant Classification Process June 2021. Collection method: clinical testing. Allele origin: germline. Affected: yes.
Comment: Identified as a de novo variant in patients with developmental delay, but has not been previously published as pathogenic or benign in association with an LRP4-related disorder to our knowledge (PMID: 31785789, 33057194); In silico analysis indicates that this missense variant does not alter protein structure/function; This variant is associated with the following publications: (PMID: 31785789, 35982159, 33057194)

Fulgent Genetics
Classification: Uncertain significance for Cenani-Lenz syndactyly syndrome; Sclerosteosis 2; Congenital myasthenic syndrome 17. Last evaluated: 2024-04-20. Review status: criteria provided, single submitter. Criteria: ACMG Guidelines, 2015. Collection method: clinical testing. Allele origin: germline.

NM_002334.4(LRP4):c.257G>C (p.Arg86Pro)

Gene: LRP4 (LDL receptor related protein 4; minus strand). Cytogenetic location: 11p11.2.
Variant type: single nucleotide variant.
Coding change: c.257G>C on transcript NM_002334.4 (MANE Select); coding-DNA position 257, G replaced by C.
Protein change: p.Arg86Pro; replaces arginine 86 with proline.
Molecular consequence: missense variant.
Genome position (GRCh38, 1-based): chr11:46,900,321, C>G on the plus strand (G>C on the coding strand, the complement: LRP4 is on the minus strand). VCF-style: chr11-46900321-C-G. GRCh37 (hg19) VCF-style: chr11-46921872-C-G.
Other names: c.257G>C (NM_002334.3); short protein forms R86P.
Identifiers: ClinVar variation 3599755 (VCV003599755.2).